The following is an entry in ClinVar:

ClinVar aggregate classification (germline): Benign. Review status: criteria provided, multiple submitters, no conflicts (2 of 4 stars). 10 submissions from 9 submitters: Benign (8). 2 of the submissions do not count toward it. Last evaluated 2026-02-04.

Conditions:
Mitchell syndrome. Identifiers: Orphanet 631248, MedGen C5394554, MONDO:0030073, OMIM 618960.
Acyl-CoA oxidase deficiency. Also called: STRAIGHT-CHAIN ACYL-CoA OXIDASE DEFICIENCY; Pseudoneonatal adrenoleukodystrophy; Peroxisomal acyl-CoA oxidase deficiency. Identifiers: Orphanet 2971, MedGen C1849678, MONDO:0009919, OMIM 264470. Disease mechanism: loss of function.

Allele frequency attached by ClinVar (database versions not stated): ExAC 0.64242; ESP Exome Variant Server 0.50869; TOPMed 0.52541; 1000 Genomes Project 0.55072; gnomAD 0.53769 and 0.54726; 1000 Genomes Project 30x 0.53998; gnomAD exomes 0.65474 and 0.65279.
gnomAD v4.1: 1,038,803 of 1,613,296 alleles (64%); highest among the groups gnomAD compares: East Asian, 76%; 343,514 homozygotes.

Submissions (10):

Labcorp Genetics (formerly Invitae), Labcorp
Classification: Benign for Acyl-CoA oxidase deficiency. Last evaluated: 2026-02-04. Review status: criteria provided, single submitter. Criteria: Invitae Variant Classification Sherloc (09022015). Collection method: clinical testing. Allele origin: germline.

Genome-Nilou Lab
Classification: Benign for Mitchell syndrome. Last evaluated: 2021-07-10. Review status: criteria provided, single submitter. Criteria: ACMG Guidelines, 2015. Collection method: clinical testing. Allele origin: germline. Affected: no.

Genome-Nilou Lab
Classification: Benign for Acyl-CoA oxidase deficiency. Last evaluated: 2021-07-10. Review status: criteria provided, single submitter. Criteria: ACMG Guidelines, 2015. Collection method: clinical testing. Allele origin: germline. Affected: no.

Mendelics
Classification: Benign for Acyl-CoA oxidase deficiency. Last evaluated: 2019-05-28. Review status: criteria provided, single submitter. Criteria: Mendelics Assertion Criteria 2017. Collection method: clinical testing. Allele origin: unknown.

GeneDx
Classification: Benign. Last evaluated: 2018-06-13. Review status: criteria provided, single submitter. Criteria: GeneDx Variant Classification (06012015). Collection method: clinical testing. Allele origin: germline. Affected: yes.
Comment: This variant is considered likely benign or benign based on one or more of the following criteria: it is a conservative change, it occurs at a poorly conserved position in the protein, it is predicted to be benign by multiple in silico algorithms, and/or has population frequency not consistent with disease.

Illumina Laboratory Services, Illumina
Classification: Benign for Acyl-CoA oxidase deficiency. Last evaluated: 2018-01-12. Review status: criteria provided, single submitter. Criteria: ICSL Variant Classification Criteria 13 December 2019. Collection method: clinical testing. Allele origin: germline.
Comment: This variant was observed in the ICSL laboratory as part of a predisposition screen in an ostensibly healthy population. It had not been previously curated by ICSL or reported in the Human Gene Mutation Database (HGMD: prior to June 1st, 2018), and was therefore a candidate for classification through an automated scoring system. Utilizing variant allele frequency, disease prevalence and penetrance estimates, and inheritance mode, an automated score was calculated to assess if this variant is too frequent to cause the disease. Based on the score and internal cut-off values, a variant classified as benign is not then subjected to further curation. The score for this variant resulted in a classification of benign for this disease.

Breakthrough Genomics
Classification: Benign. Review status: criteria provided, single submitter. Criteria: ACMG Guidelines, 2015. Collection method: not provided. Allele origin: germline. Inheritance: Autosomal recessive inheritance. Affected: yes.

PreventionGenetics, part of Exact Sciences
Classification: Benign. Review status: criteria provided, single submitter. Criteria: ACMG Guidelines, 2015. Collection method: clinical testing. Allele origin: germline.

Natera, Inc.
Classification: Benign for Peroxisomal acyl CoA oxidase deficiency. Last evaluated: 2020-09-16. Review status: no assertion criteria provided. Collection method: clinical testing. Allele origin: germline. Not counted in ClinVar's aggregate classification.

Mayo Clinic Laboratories, Mayo Clinic
Classification: Benign. Last evaluated: 2015-10-22. Review status: no assertion criteria provided. Collection method: clinical testing. Allele origin: unknown. Not counted in ClinVar's aggregate classification.

NM_004035.7(ACOX1):c.936C>G (p.Ile312Met)

Gene: ACOX1 (acyl-CoA oxidase 1; minus strand). Cytogenetic location: 17q25.1.
Variant type: single nucleotide variant.
Coding change: c.936C>G on transcript NM_004035.7 (MANE Select); coding-DNA position 936, C replaced by G.
Protein change: p.Ile312Met; replaces isoleucine 312 with methionine.
Molecular consequence: missense variant.
Genome position (GRCh38, 1-based): chr17:75,953,459, G>C on the plus strand (C>G on the coding strand, the complement: ACOX1 is on the minus strand). VCF-style: chr17-75953459-G-C. GRCh37 (hg19) VCF-style: chr17-73949540-G-C.
Other names: c.822C>G, p.Ile274Met (NM_001185039.2); c.936C>G, p.Ile312Met (NM_007292.6); short protein forms I312M, I274M.
Identifiers: ClinVar variation 259223 (VCV000259223.24), dbSNP rs1135640, ClinGen allele CA8776889.
Genomic context (GRCh38, chr17:75,953,459, plus strand): 5'-GGGGTAAAAACTAGGCCTTTGGTACTGAGCCCATCTAGGACCCTATCCTTACCCTGGCTT[G>C]ATTTCAGACTGGTGCCTCACAGCGCTGTATCGGATGGCAATGGTGCACGCCTTAGACAGA-3'
Protein context (NP_004026.2, residues 302-322): RYSAVRHQSE[Ile312Met]KPGEPEPQIL